The following is an entry in ClinVar:

ClinVar aggregate classification (germline): Uncertain significance. Review status: criteria provided, multiple submitters, no conflicts (2 of 4 stars). 2 submissions from 2 submitters: Uncertain significance (2). Last evaluated 2024-12-20.

Conditions:
Nephronophthisis 18 (NPHP18). Identifiers: Orphanet 655, MedGen C3890591, MONDO:0014374, OMIM 615862.
Inborn genetic diseases. Identifiers: MedGen C0950123, MeSH D030342.

Allele frequency attached by ClinVar (database versions not stated): TOPMed 0.00044; ExAC 0.00005; gnomAD exomes 0.00016; 1000 Genomes Project 30x 0.00016; 1000 Genomes Project 0.00020.

Submissions (2):

Ambry Genetics
Classification: Uncertain significance for Inborn genetic diseases. Last evaluated: 2024-12-20. Review status: criteria provided, single submitter. Criteria: Ambry Variant Classification Scheme 2023. Collection method: clinical testing. Allele origin: germline.

Labcorp Genetics (formerly Invitae), Labcorp
Classification: Uncertain significance for Nephronophthisis 18. Last evaluated: 2023-11-27. Review status: criteria provided, single submitter. Criteria: Invitae Variant Classification Sherloc (09022015). Collection method: clinical testing. Allele origin: germline.
Comment: This sequence change replaces methionine with lysine at codon 435 of the CEP83 protein (p.Met435Lys). The methionine residue is moderately conserved and there is a moderate physicochemical difference between methionine and lysine. This variant is present in population databases (rs185212560, gnomAD 0.1%). This variant has not been reported in the literature in individuals affected with CEP83-related conditions. ClinVar contains an entry for this variant (Variation ID: 971750). Advanced modeling of protein sequence and biophysical properties (such as structural, functional, and spatial information, amino acid conservation, physicochemical variation, residue mobility, and thermodynamic stability) performed at Invitae indicates that this missense variant is not expected to disrupt CEP83 protein function with a negative predictive value of 80%. In summary, the available evidence is currently insufficient to determine the role of this variant in disease. Therefore, it has been classified as a Variant of Uncertain Significance.

NM_016122.3(CEP83):c.1304T>A (p.Met435Lys)

Gene: CEP83 (centrosomal protein 83; minus strand). Cytogenetic location: 12q22.
Variant type: single nucleotide variant.
Coding change: c.1304T>A on transcript NM_016122.3 (MANE Select); coding-DNA position 1304, T replaced by A.
Protein change: p.Met435Lys; replaces methionine 435 with lysine.
Molecular consequence: missense variant. On other transcripts: non-coding transcript variant (1).
Genome position (GRCh38, 1-based): chr12:94,367,833, A>T on the plus strand (T>A on the coding strand, the complement: CEP83 is on the minus strand). VCF-style: chr12-94367833-A-T. GRCh37 (hg19) VCF-style: chr12-94761609-A-T.
Other names: c.1304T>A, p.Met435Lys (NM_001042399.2, NM_001346457.2, NM_001368037.1 and 1 more transcripts); c.992T>A, p.Met331Lys (NM_001346458.2, NM_001346459.2, NM_001368039.1 and 1 more transcripts); c.1079T>A, p.Met360Lys (NM_001368041.1); short protein forms M360K, M331K, M435K.
Identifiers: ClinVar variation 971750 (VCV000971750.6), dbSNP rs185212560, ClinGen allele CA6721684.
Genomic context (GRCh38, chr12:94,367,833, plus strand): 5'-AAATATATATGTATATATAACCTAACACTCTGAAGCTCCTTCCTGGTGATCTCTTCTGCC[A>T]TCTGTGAAGCCCGCAATTTCTCTTCATACTGATCCTTTTCAGATTGCCTCCAGACATCAT-3'
Protein context (NP_057206.2, residues 425-445): QYEEKLRASQ[Met435Lys]AEEITRKELQ